The following is an entry in ClinVar:

ClinVar aggregate classification (germline): Conflicting classifications of pathogenicity. Review status: criteria provided, conflicting classifications (1 of 4 stars). 2 submissions from 2 submitters: Likely pathogenic (1); Uncertain significance (1). Last evaluated 2025-07-30.

Conditions:
BEST1-related disorder. Also called: BEST1-related condition; BEST1-related disorders. Identifiers: MedGen CN239200.

Submissions (2):

Labcorp Genetics (formerly Invitae), Labcorp
Classification: Uncertain significance. Last evaluated: 2025-07-30. Review status: criteria provided, single submitter. Criteria: Invitae Variant Classification Sherloc (09022015). Collection method: clinical testing. Allele origin: germline.
Comment: This sequence change replaces arginine, which is basic and polar, with tryptophan, which is neutral and slightly polar, at codon 125 of the BEST1 protein (p.Arg125Trp). This variant is not present in population databases (gnomAD no frequency). This variant has not been reported in the literature in individuals affected with BEST1-related conditions. Invitae Evidence Modeling of protein sequence and biophysical properties (such as structural, functional, and spatial information, amino acid conservation, physicochemical variation, residue mobility, and thermodynamic stability) indicates that this missense variant is expected to disrupt BEST1 protein function with a positive predictive value of 95%. In summary, the available evidence is currently insufficient to determine the role of this variant in disease. Therefore, it has been classified as a Variant of Uncertain Significance.

Blueprint Genetics
Classification: Likely pathogenic for BEST1-related disorders. Last evaluated: 2022-11-04. Review status: criteria provided, single submitter. Criteria: ACMG Guidelines, 2015. Collection method: clinical testing. Allele origin: germline. Affected: yes. Observed: 2 variant alleles.

NM_004183.4(BEST1):c.373C>T (p.Arg125Trp)

Gene: BEST1 (bestrophin 1; plus strand). Cytogenetic location: 11q12.3.
Variant type: single nucleotide variant.
Coding change: c.373C>T on transcript NM_004183.4 (MANE Select); coding-DNA position 373, C replaced by T.
Protein change: p.Arg125Trp; replaces arginine 125 with tryptophan.
Molecular consequence: missense variant. On other transcripts: 5 prime UTR variant (1), non-coding transcript variant (1).
Genome position (GRCh38, 1-based): chr11:61,955,843, C>T. VCF-style: chr11-61955843-C-T. GRCh37 (hg19) VCF-style: chr11-61723315-C-T.
Other names: c.193C>T, p.Arg65Trp (NM_001139443.3, NM_001300786.2, NM_001300787.2 and 3 more transcripts); c.55C>T, p.Arg19Trp (NM_001363591.3); c.373C>T, p.Arg125Trp (NM_001363592.2, NM_001440571.1, NM_001440572.1 and 1 more transcripts); c.-803C>T (NM_001363593.3); short protein forms R125W, R19W, R65W.
Identifiers: ClinVar variation 4811246 (VCV004811246.2).